The following is an entry in ClinVar:

NM_001723.7(DST):c.5878T>C (p.Ser1960Pro)

Gene: DST (dystonin; minus strand). Cytogenetic location: 6p12.1.
Variant type: single nucleotide variant.
Coding change: c.5878T>C on transcript NM_001723.7 (MANE Plus Clinical); coding-DNA position 5878, T replaced by C.
Protein change: p.Ser1960Pro; replaces serine 1960 with proline.
Molecular consequence: missense variant. On other transcripts: intron variant (10).
Genome position (GRCh38, 1-based): chr6:56,618,156, A>G on the plus strand (T>C on the coding strand, the complement: DST is on the minus strand). VCF-style: chr6-56618156-A-G. GRCh37 (hg19) VCF-style: chr6-56482954-A-G.
Other names: c.4831-3672T>C (NM_001144769.5); c.4930-3672T>C (NM_001374722.1, NM_001374736.1); c.4957-3672T>C (NM_001374734.1); c.4417-3672T>C (NM_001144770.2); c.4297-3672T>C (NM_001374730.1, NM_001386100.1, NM_183380.4 and 1 more transcripts); c.3319-3672T>C (NM_015548.5); short protein forms S1960P.
Identifiers: ClinVar variation 936614 (VCV000936614.10), dbSNP rs1286562659, ClinGen allele CA364566376.

ClinVar aggregate classification (germline): Uncertain significance (1 of 4 stars; one submission).

Conditions:
Hereditary sensory and autonomic neuropathy type 6. Also called: HSAN VI; Neuropathy, hereditary sensory and autonomic, type VI. Identifiers: Orphanet 314381, MedGen C3539003, MONDO:0013839, OMIM 614653.
Epidermolysis bullosa simplex 3, localized or generalized intermediate, with BP230 deficiency (EBS3). Also called: Epidermolysis bullosa simplex, autosomal recessive 2; Epidermolysis bullosa simplex due to BP230 deficiency. Identifiers: Orphanet 412181, MedGen C3809470, MONDO:0014180, OMIM 615425.

Allele frequency attached by ClinVar (database versions not stated): TOPMed below 0.00001; gnomAD 0.00001; gnomAD exomes 0.00001.
gnomAD v4.1: 9 of 1,614,028 alleles (0.00056%); highest among the groups gnomAD compares: Non-Finnish European, 0.00076%; no homozygotes.

Submission:

Labcorp Genetics (formerly Invitae), Labcorp
Classification: Uncertain significance for Epidermolysis bullosa simplex 3, localized or generalized intermediate, with BP230 deficiency; Hereditary sensory and autonomic neuropathy type 6. Last evaluated: 2019-08-11. Review status: criteria provided, single submitter. Criteria: Invitae Variant Classification Sherloc (09022015). Collection method: clinical testing. Allele origin: germline.
Comment: This sequence change replaces serine with proline at codon 1960 of the DST protein (p.Ser1960Pro). The serine residue is weakly conserved and there is a moderate physicochemical difference between serine and proline. This variant is not present in population databases (ExAC no frequency). This variant has not been reported in the literature in individuals with DST-related conditions. Algorithms developed to predict the effect of missense changes on protein structure and function are either unavailable or do not agree on the potential impact of this missense change (SIFT: "Deleterious"; PolyPhen-2: "Benign"; Align-GVGD: "Class C0"). In summary, the available evidence is currently insufficient to determine the role of this variant in disease. Therefore, it has been classified as a Variant of Uncertain Significance.